The following is an entry in ClinVar:

ClinVar aggregate classification (germline): Conflicting classifications of pathogenicity. Review status: criteria provided, conflicting classifications (1 of 4 stars). 6 submissions from 6 submitters: Likely pathogenic (2); Uncertain significance (2). 2 of the submissions do not count toward it. Last evaluated 2023-12-01.

Conditions:
Rare genetic deafness. Identifiers: Orphanet 96210, MedGen C5680250.
Retinal dystrophy. Also called: Inherited retinal dystrophy. Identifiers: Orphanet 71862, MedGen C0854723, MeSH D058499, MONDO:0019118, HP:0000556.
Autosomal recessive nonsyndromic hearing loss 12. Also called: DEAFNESS, AUTOSOMAL RECESSIVE 12. Identifiers: Orphanet 90636, MedGen C1832394, MONDO:0011067, OMIM 601386.

Allele frequency attached by ClinVar (database versions not stated): gnomAD exomes below 0.00001 and 0.00001; TOPMed below 0.00001; ExAC 0.00001; gnomAD 0.00001.
gnomAD v4.1: 10 of 1,613,854 alleles (0.00062%); highest among the groups gnomAD compares: South Asian, 0.0011%; no homozygotes.

Submissions (6):

3billion
Classification: Uncertain significance for Autosomal recessive nonsyndromic hearing loss 12. Last evaluated: 2023-12-01. Review status: criteria provided, single submitter. Criteria: ACMG Guidelines, 2015. Collection method: clinical testing. Allele origin: germline. Affected: yes.
Comment: The variant is observed at an extremely low frequency in the gnomAD v2.1.1 dataset (total allele frequency: 0.001%). Predicted Consequence/Location: The majority of the known disease-causing variants of this gene are variants expected to result in premature termination of the protein. Premature termination of the protein is a common disease-causing mechanism for this gene. Damaging effect on gene or gene product predicted by in silico programs is uncertain [REVEL: 0.42 (damaging >=0.6, benign <0.4), 3Cnet: 0.05 (damaging >=0.6, benign <0.15)] Same nucleotide change resulting in same amino acid change has been previously reported to be associated with CDH23 related disorder (ClinVar ID: VCV000178675 /PMID: 31589614). However, the evidence of pathogenicity is insufficient at this time. Therefore, this variant is classified as VUS according to the recommendation of ACMG/AMP guideline.

Labcorp Genetics (formerly Invitae), Labcorp
Classification: Uncertain significance. Last evaluated: 2023-05-08. Review status: criteria provided, single submitter. Criteria: Invitae Variant Classification Sherloc (09022015). Collection method: clinical testing. Allele origin: germline.
Comment: Advanced modeling of protein sequence and biophysical properties (such as structural, functional, and spatial information, amino acid conservation, physicochemical variation, residue mobility, and thermodynamic stability) performed at Invitae indicates that this missense variant is not expected to disrupt CDH23 protein function. In summary, the available evidence is currently insufficient to determine the role of this variant in disease. Therefore, it has been classified as a Variant of Uncertain Significance. ClinVar contains an entry for this variant (Variation ID: 178675). This missense change has been observed in individual(s) with Usher syndrome (PMID: 22135276; Invitae). This variant is present in population databases (rs727504455, gnomAD 0.002%). This sequence change replaces arginine, which is basic and polar, with tryptophan, which is neutral and slightly polar, at codon 457 of the CDH23 protein (p.Arg457Trp).

Institute of Human Genetics, Univ. Regensburg, Univ. Regensburg
Classification: Likely pathogenic for Retinal dystrophy. Last evaluated: 2021-01-01. Review status: criteria provided, single submitter. Criteria: ACMG Guidelines, 2015. Collection method: clinical testing. Allele origin: germline. Affected: yes.

Laboratory for Molecular Medicine, Mass General Brigham Personalized Medicine
Classification: Likely pathogenic for Rare genetic deafness. Last evaluated: 2013-04-01. Review status: criteria provided, single submitter. Criteria: LMM Criteria. Collection method: clinical testing. Allele origin: germline. Inheritance: Autosomal recessive inheritance. Observed: 3 variant alleles.
Comment: The Arg457Trp variant in CDH23 has been reported in 1/188 individuals with Usher syndrome and 2/878 control chromosomes (Le Quesne Stabej 2012). Although this variant has been seen in controls, its frequency is low enough to be consistent with a recessive carrier frequency. In addition, Computational analyses (biochem ical amino acid properties, conservation, AlignGVGD, PolyPhen2, and SIFT) sugges t that the Arg457Trp variant may impact the protein, though this information alo ne is not predictive enough to determine pathogenicity. Furthermore, the identif ication of this variant in trans with a pathogenic CDH23 variant in two affected children in this family increases the likelihood that this variant is pathogeni c. In summary, based on the identification of this variant in two affected famil y members with a second pathogenic CDH23 variant, this variant is likely to be p athogenic.

Clinical Genetics DNA and cytogenetics Diagnostics Lab, Erasmus MC, Erasmus Medical Center
Classification: Uncertain significance. Review status: no assertion criteria provided. Collection method: clinical testing. Allele origin: germline. Affected: yes. Study: VKGL Data-share Consensus. Not counted in ClinVar's aggregate classification.

Joint Genome Diagnostic Labs from Nijmegen and Maastricht, Radboudumc and MUMC+
Classification: Uncertain significance. Review status: no assertion criteria provided. Collection method: clinical testing. Allele origin: germline. Affected: yes. Study: VKGL Data-share Consensus. Not counted in ClinVar's aggregate classification.

Literature cited by the submitters: PubMed 31589614 (cited by 3billion and Institute of Human Genetics, Univ. Regensburg, Univ. Regensburg); PubMed 22135276 (cited by Labcorp Genetics (formerly Invitae), Labcorp and Laboratory for Molecular Medicine, Mass General Brigham Personalized Medicine).

NM_022124.6(CDH23):c.1369C>T (p.Arg457Trp)

Gene: CDH23 (cadherin related 23; plus strand). Cytogenetic location: 10q22.1.
Variant type: single nucleotide variant.
Coding change: c.1369C>T on transcript NM_022124.6 (MANE Select); coding-DNA position 1369, C replaced by T.
Protein change: p.Arg457Trp; replaces arginine 457 with tryptophan.
Molecular consequence: missense variant.
Genome position (GRCh38, 1-based): chr10:71,646,537, C>T. VCF-style: chr10-71646537-C-T. GRCh37 (hg19) VCF-style: chr10-73406294-C-T.
Other names: c.1369C>T, p.Arg457Trp (NM_001171930.2, NM_001171931.2, NM_052836.4); short protein forms R457W.
Identifiers: ClinVar variation 178675 (VCV000178675.13), dbSNP rs727504455, ClinGen allele CA273552.